The following is an entry in ClinVar:

ClinVar aggregate classification (germline): Pathogenic (1 of 4 stars; one submission).

Conditions:
Galactosylceramide beta-galactosidase deficiency. Also called: Krabbe Disease; Leukodystrophy, Globoid Cell; GALACTOCEREBROSIDASE DEFICIENCY; GALC DEFICIENCY; GLOBOID CELL LEUKOENCEPHALOPATHY. Identifiers: Orphanet 487, MedGen C0023521, MONDO:0009499, OMIM 245200.

Submission:

Labcorp Genetics (formerly Invitae), Labcorp
Classification: Pathogenic for Galactosylceramide beta-galactosidase deficiency. Last evaluated: 2021-08-12. Review status: criteria provided, single submitter. Criteria: Invitae Variant Classification Sherloc (09022015). Collection method: clinical testing. Allele origin: germline.
Comment: This sequence change creates a premature translational stop signal (p.Trp10Glyfs*8) in the GALC gene. It is expected to result in an absent or disrupted protein product. Loss-of-function variants in GALC are known to be pathogenic (PMID: 7437911, 9272171, 16607461). The frequency data for this variant in the population databases is considered unreliable, as metrics indicate insufficient coverage at this position in the ExAC database. This variant has not been reported in the literature in individuals affected with GALC-related conditions. For these reasons, this variant has been classified as Pathogenic.

Literature cited by the submitters: PubMed 7437911; PubMed 9272171; PubMed 16607461.

NM_000153.4(GALC):c.27del (p.Trp10fs)

Gene: GALC (galactosylceramidase; minus strand). Cytogenetic location: 14q31.3.
Variant type: Deletion.
Coding change: c.27del on transcript NM_000153.4 (MANE Select); coding-DNA position 27, one base deleted (C; older notation c.27delC).
Protein change: p.Trp10fs; shifts the reading frame from tryptophan 10.
Molecular consequence: frameshift variant. On other transcripts: intron variant (1).
Genome position (GRCh38, 1-based): chr14:87,993,138, G deleted on the plus strand (C on the coding strand, the reverse complement: GALC is on the minus strand); the first of 2 consecutive G bases (chr14:87,993,138-87,993,139); deleting either gives the same sequence. VCF-style (leftmost placement, unchanged base first): chr14-87993137-AG-A. GRCh37 (hg19) VCF-style: chr14-88459481-AG-A.
Other names: c.27del, p.Trp10fs (NM_001201401.2); c.117+245del (NM_001201402.2); short protein forms W10fs.
Identifiers: ClinVar variation 1414629 (VCV001414629.6), dbSNP rs2139769959, ClinGen allele CA2573150458.
Genomic context (GRCh38, chr14:87,993,137, plus strand): 5'-GCACCGCGGCGCGGCCCGCCGAACCCGCGGCCGCAGTCATAGCTTTCGCTCGGCGTTGCC[AG>A]GAAGCCGAGAGTAGCCACTCAGCCATTGTGTGGGTCACATGACTCCGGCGCCCAGGGAGG-3'